The following is an entry in ClinVar:

NM_015404.4(WHRN):c.695A>C (p.His232Pro)

Gene: WHRN (whirlin; minus strand). Cytogenetic location: 9q32.
Variant type: single nucleotide variant.
Coding change: c.695A>C on transcript NM_015404.4 (MANE Select); coding-DNA position 695, A replaced by C.
Protein change: p.His232Pro; replaces histidine 232 with proline.
Molecular consequence: missense variant. On other transcripts: 5 prime UTR variant (1).
Genome position (GRCh38, 1-based): chr9:114,478,695, T>G on the plus strand (A>C on the coding strand, the complement: WHRN is on the minus strand). VCF-style: chr9-114478695-T-G. GRCh37 (hg19) VCF-style: chr9-117240975-T-G.
Other names: p.His232Pro; c.695A>C (NM_015404.2); c.-455A>C (NM_001083885.3); c.695A>C, p.His232Pro (NM_001173425.2); short protein forms H232P.
Identifiers: ClinVar variation 914632 (VCV000914632.13), dbSNP rs533374297, ClinGen allele CA5206215.

ClinVar aggregate classification (germline): Uncertain significance. Review status: criteria provided, multiple submitters, no conflicts (2 of 4 stars). 8 submissions from 7 submitters: Uncertain significance (7). 1 of the submissions does not count toward it. Last evaluated 2026-09-24.

Conditions:
Usher syndrome type 2D. Also called: USHER SYNDROME, TYPE IID. Identifiers: Orphanet 231178, Orphanet 886, MedGen C1568249, MONDO:0012662, OMIM 611383.
Retinal dystrophy. Also called: Inherited retinal dystrophy. Identifiers: Orphanet 71862, MedGen C0854723, MeSH D058499, MONDO:0019118, HP:0000556.
WHRN-related disorder. Also called: WHRN-related condition.
Autosomal recessive nonsyndromic hearing loss 31. Also called: WHIRLER, MOUSE, HOMOLOG OF. Identifiers: Orphanet 90636, MedGen C1846839, MONDO:0011767, OMIM 607084.

Allele frequency attached by ClinVar (database versions not stated): gnomAD 0.00005 and 0.00006; ExAC 0.00010; gnomAD exomes 0.00012 and 0.00018; TOPMed 0.00013; 1000 Genomes Project 0.00020; 1000 Genomes Project 30x 0.00031.
gnomAD v4.1: 264 of 1,612,988 alleles (0.016%); highest among the groups gnomAD compares: Non-Finnish European, 0.021%; no homozygotes.

Submissions (8):

PreventionGenetics, part of Exact Sciences
Classification: Uncertain significance for WHRN-related condition. Last evaluated: 2026-09-24. Review status: criteria provided, single submitter. Criteria: ACMG Guidelines, 2015. Collection method: clinical testing. Allele origin: germline.
Comment: The WHRN c.695A>C variant is predicted to result in the amino acid substitution p.His232Pro. To our knowledge, this variant has not been reported in the literature. This variant is reported in 0.023% of alleles in individuals of Latino descent in gnomAD. At this time, the clinical significance of this variant is uncertain due to the absence of conclusive functional and genetic evidence.

Labcorp Genetics (formerly Invitae), Labcorp
Classification: Uncertain significance. Last evaluated: 2024-10-24. Review status: criteria provided, single submitter. Criteria: Invitae Variant Classification Sherloc (09022015). Collection method: clinical testing. Allele origin: germline.
Comment: This sequence change replaces histidine, which is basic and polar, with proline, which is neutral and non-polar, at codon 232 of the WHRN protein (p.His232Pro). This variant is present in population databases (rs533374297, gnomAD 0.02%). This variant has not been reported in the literature in individuals affected with WHRN-related conditions. ClinVar contains an entry for this variant (Variation ID: 914632). An algorithm developed to predict the effect of missense changes on protein structure and function (PolyPhen-2) suggests that this variant is likely to be disruptive. In summary, the available evidence is currently insufficient to determine the role of this variant in disease. Therefore, it has been classified as a Variant of Uncertain Significance.

Blueprint Genetics
Classification: Uncertain significance. Last evaluated: 2024-10-03. Review status: criteria provided, single submitter. Criteria: ACMG Guidelines, 2015. Collection method: clinical testing. Allele origin: germline.

GeneDx
Classification: Uncertain significance. Last evaluated: 2024-06-26. Review status: criteria provided, single submitter. Criteria: GeneDx Variant Classification Process June 2021. Collection method: clinical testing. Allele origin: germline. Affected: yes.
Comment: In silico analysis supports that this missense variant has a deleterious effect on protein structure/function; Has not been previously published as pathogenic or benign to our knowledge

Mayo Clinic Laboratories, Mayo Clinic
Classification: Uncertain significance. Last evaluated: 2022-12-05. Review status: criteria provided, single submitter. Criteria: ACMG Guidelines, 2015. Collection method: clinical testing. Allele origin: germline. Observed: 1 variant allele.
Comment: PM2_supporting

Illumina Laboratory Services, Illumina
Classification: Uncertain significance for Autosomal recessive nonsyndromic hearing loss 31. Last evaluated: 2018-01-12. Review status: criteria provided, single submitter. Criteria: ICSL Variant Classification Criteria 13 December 2019. Collection method: clinical testing. Allele origin: germline.

Illumina Laboratory Services, Illumina
Classification: Uncertain significance for Usher syndrome type 2D. Last evaluated: 2018-01-12. Review status: criteria provided, single submitter. Criteria: ICSL Variant Classification Criteria 13 December 2019. Collection method: clinical testing. Allele origin: germline.

Institute of Human Genetics, Univ. Regensburg, Univ. Regensburg
Classification: Uncertain significance for Retinal dystrophy. Last evaluated: 2022-01-01. Review status: no assertion criteria provided. Criteria: ACMG Guidelines, 2015. Collection method: clinical testing. Allele origin: germline. Affected: yes. Not counted in ClinVar's aggregate classification.